The following is an entry in ClinVar:

ClinVar aggregate classification (germline): Uncertain significance. Review status: criteria provided, multiple submitters, no conflicts (2 of 4 stars). 2 submissions from 2 submitters: Uncertain significance (2). Last evaluated 2024-02-02.

Allele frequency attached by ClinVar (database versions not stated): TOPMed 0.00012; ExAC 0.00015; gnomAD 0.00016; gnomAD exomes 0.00036.
gnomAD v4.1: 540 of 1,613,884 alleles (0.033%); highest among the groups gnomAD compares: Non-Finnish European, 0.04%; no homozygotes.

Submissions (2):

Ambry Genetics
Classification: Uncertain significance. Last evaluated: 2024-02-02. Review status: criteria provided, single submitter. Criteria: Ambry Variant Classification Scheme 2023. Collection method: clinical testing. Allele origin: germline.

GeneDx
Classification: Uncertain significance. Last evaluated: 2023-04-13. Review status: criteria provided, single submitter. Criteria: GeneDx Variant Classification Process June 2021. Collection method: clinical testing. Allele origin: germline. Affected: yes.
Comment: In silico analysis supports that this missense variant has a deleterious effect on protein structure/function; Has not been previously published as pathogenic or benign to our knowledge; Variants in candidate genes are classified as variants of uncertain significance in accordance with ACMG guidelines (Richards et al., 2015)

NM_001347886.2(DNAH3):c.5077T>C (p.Phe1693Leu)

Gene: DNAH3 (dynein axonemal heavy chain 3; minus strand). Cytogenetic location: 16p12.3.
Variant type: single nucleotide variant.
Coding change: c.5077T>C on transcript NM_001347886.2 (MANE Select); coding-DNA position 5077, T replaced by C.
Protein change: p.Phe1693Leu; replaces phenylalanine 1693 with leucine.
Molecular consequence: missense variant.
Genome position (GRCh38, 1-based): chr16:21,031,269, A>G on the plus strand (T>C on the coding strand, the complement: DNAH3 is on the minus strand). VCF-style: chr16-21031269-A-G. GRCh37 (hg19) VCF-style: chr16-21042591-A-G.
Other names: c.5215T>C, p.Phe1739Leu (NM_017539.2); short protein forms F1739L, F1693L.
Identifiers: ClinVar variation 3083922 (VCV003083922.2), dbSNP rs201066816, ClinGen allele CA7947499.